The following is an entry in ClinVar:

NM_000501.4(ELN):c.1288G>A (p.Gly430Arg)

Gene: ELN (elastin; plus strand). Cytogenetic location: 7q11.23.
Variant type: single nucleotide variant.
Coding change: c.1288G>A on transcript NM_000501.4 (MANE Select); coding-DNA position 1288, G replaced by A.
Protein change: p.Gly430Arg; replaces glycine 430 with arginine.
Molecular consequence: missense variant. On other transcripts: intron variant (2).
Genome position (GRCh38, 1-based): chr7:74,056,408, G>A. VCF-style: chr7-74056408-G-A. GRCh37 (hg19) VCF-style: chr7-73470738-G-A.
Other names: c.1258G>A, p.Gly420Arg (NM_001081752.3, NM_001278917.2); c.1303G>A, p.Gly435Arg (NM_001081753.3, NM_001081754.3); c.1288G>A, p.Gly430Arg (NM_001081755.3, NM_001278912.2, NM_001278915.2 and 1 more transcripts); c.1273G>A, p.Gly425Arg (NM_001278914.2); c.1246G>A, p.Gly416Arg (NM_001278916.2); c.1129+51G>A (NM_001278913.2); c.1105+51G>A (NM_001278918.2); short protein forms G416R, G420R, G425R, G430R, G435R.
Identifiers: ClinVar variation 1304697 (VCV001304697.11), dbSNP rs374470120, ClinGen allele CA4292918.

ClinVar aggregate classification (germline): Uncertain significance. Review status: criteria provided, multiple submitters, no conflicts (2 of 4 stars). 3 submissions from 3 submitters: Uncertain significance (3). Last evaluated 2024-04-08.

Conditions:
Inborn genetic diseases. Identifiers: MedGen C0950123, MeSH D030342.
Supravalvar aortic stenosis (SVAS). Also called: Supravalvar aortic stenosis, Eisenberg type. Identifiers: Orphanet 3193, MedGen C0003499, MONDO:0008504, OMIM 185500, HP:0004381.

Allele frequency attached by ClinVar (database versions not stated): ExAC 0.00002; gnomAD 0.00002; gnomAD exomes 0.00002; TOPMed 0.00002; ESP Exome Variant Server 0.00008.
gnomAD v4.1: 30 of 1,613,754 alleles (0.0019%); highest among the groups gnomAD compares: Admixed American, 0.0033%; no homozygotes.

Submissions (3):

Labcorp Genetics (formerly Invitae), Labcorp
Classification: Uncertain significance for Supravalvar aortic stenosis. Last evaluated: 2024-04-08. Review status: criteria provided, single submitter. Criteria: Invitae Variant Classification Sherloc (09022015). Collection method: clinical testing. Allele origin: germline.
Comment: This sequence change replaces glycine, which is neutral and non-polar, with arginine, which is basic and polar, at codon 430 of the ELN protein (p.Gly430Arg). This variant is present in population databases (rs374470120, gnomAD 0.006%). This variant has not been reported in the literature in individuals affected with ELN-related conditions. ClinVar contains an entry for this variant (Variation ID: 1304697). Advanced modeling of protein sequence and biophysical properties (such as structural, functional, and spatial information, amino acid conservation, physicochemical variation, residue mobility, and thermodynamic stability) performed at Invitae indicates that this missense variant is not expected to disrupt ELN protein function with a negative predictive value of 80%. In summary, the available evidence is currently insufficient to determine the role of this variant in disease. Therefore, it has been classified as a Variant of Uncertain Significance.

Ambry Genetics
Classification: Uncertain significance for Inborn genetic diseases. Last evaluated: 2023-07-14. Review status: criteria provided, single submitter. Criteria: Ambry Variant Classification Scheme 2023. Collection method: clinical testing. Allele origin: germline.

GeneDx
Classification: Uncertain significance. Last evaluated: 2020-01-24. Review status: criteria provided, single submitter. Criteria: GeneDx Variant Classification Process June 2021. Collection method: clinical testing. Allele origin: germline. Affected: yes.
Comment: Has not been previously published as pathogenic or benign to our knowledge; In silico analysis, which includes protein predictors and evolutionary conservation, supports a deleterious effect